The following is an entry in ClinVar:

ClinVar aggregate classification (germline): Uncertain significance (1 of 4 stars; one submission).

Conditions:
MEGF8-related Carpenter syndrome. Also called: Carpenter syndrome 2. Identifiers: Orphanet 65759, MedGen C3554247, MONDO:0013998, OMIM 614976.

Allele frequency attached by ClinVar (database versions not stated): gnomAD exomes below 0.00001.
gnomAD v4.1: 3 of 1,560,620 alleles (0.00019%); highest among the groups gnomAD compares: African/African-American, 0.0043%; no homozygotes.

Submission:

Labcorp Genetics (formerly Invitae), Labcorp
Classification: Uncertain significance for MEGF8-related Carpenter syndrome. Last evaluated: 2024-09-06. Review status: criteria provided, single submitter. Criteria: Invitae Variant Classification Sherloc (09022015). Collection method: clinical testing. Allele origin: germline.
Comment: This sequence change replaces alanine, which is neutral and non-polar, with glycine, which is neutral and non-polar, at codon 16 of the MEGF8 protein (p.Ala16Gly). This variant is not present in population databases (gnomAD no frequency). This variant has not been reported in the literature in individuals affected with MEGF8-related conditions. ClinVar contains an entry for this variant (Variation ID: 1509589). Experimental studies and prediction algorithms are not available or were not evaluated, and the functional significance of this variant is currently unknown. In summary, the available evidence is currently insufficient to determine the role of this variant in disease. Therefore, it has been classified as a Variant of Uncertain Significance.

NM_001271938.2(MEGF8):c.47C>G (p.Ala16Gly)

Genes: MEGF8 (multiple EGF like domains 8; plus strand), LOC130064579 (ATAC-STARR-seq lymphoblastoid silent region 10711; plus strand). Cytogenetic location: 19q13.2.
Variant type: single nucleotide variant.
Coding change: c.47C>G on transcript NM_001271938.2 (MANE Select); coding-DNA position 47, C replaced by G.
Protein change: p.Ala16Gly; replaces alanine 16 with glycine.
Molecular consequence: missense variant.
Genome position (GRCh38, 1-based): chr19:42,326,290, C>G. VCF-style: chr19-42326290-C-G. GRCh37 (hg19) VCF-style: chr19-42830442-C-G.
Other names: c.47C>G, p.Ala16Gly (NM_001410.3); short protein forms A16G.
Identifiers: ClinVar variation 1509589 (VCV001509589.8), dbSNP rs1050352479, ClinGen allele CA308614737.